The following is an entry in ClinVar:

ClinVar aggregate classification (germline): Uncertain significance. Review status: criteria provided, multiple submitters, no conflicts (2 of 4 stars). 4 submissions from 4 submitters: Uncertain significance (3). 1 of the submissions does not count toward it. Last evaluated 2022-04-04.

Conditions:
Medium-chain acyl-coenzyme A dehydrogenase deficiency (ACADMD). Also called: MCADD; Medium chain acyl-CoA dehydrogenase deficiency; MCADH DEFICIENCY; MCAD Deficiency; ACADM DEFICIENCY; CARNITINE DEFICIENCY SECONDARY TO MEDIUM-CHAIN ACYL-CoA DEHYDROGENASE DEFICIENCY. Identifiers: Orphanet 42, MedGen C0220710, MONDO:0008721, OMIM 201450.

Allele frequency attached by ClinVar (database versions not stated): gnomAD exomes below 0.00001 and 0.00003; ExAC 0.00005; gnomAD 0.00006; TOPMed 0.00006.
gnomAD v4.1: 15 of 1,613,826 alleles (0.00093%); highest among the groups gnomAD compares: African/African-American, 0.019%; no homozygotes.

Submissions (4):

Labcorp Genetics (formerly Invitae), Labcorp
Classification: Uncertain significance for Medium-chain acyl-coenzyme A dehydrogenase deficiency. Last evaluated: 2022-04-04. Review status: criteria provided, single submitter. Criteria: Invitae Variant Classification Sherloc (09022015). Collection method: clinical testing. Allele origin: germline.
Comment: This sequence change replaces glutamine, which is neutral and polar, with arginine, which is basic and polar, at codon 44 of the ACADM protein (p.Gln44Arg). This variant is present in population databases (rs751647383, gnomAD 0.03%). This variant has not been reported in the literature in individuals affected with ACADM-related conditions. ClinVar contains an entry for this variant (Variation ID: 265023). Advanced modeling of protein sequence and biophysical properties (such as structural, functional, and spatial information, amino acid conservation, physicochemical variation, residue mobility, and thermodynamic stability) performed at Invitae indicates that this missense variant is expected to disrupt ACADM protein function. In summary, the available evidence is currently insufficient to determine the role of this variant in disease. Therefore, it has been classified as a Variant of Uncertain Significance.

GeneDx
Classification: Uncertain significance. Last evaluated: 2020-09-11. Review status: criteria provided, single submitter. Criteria: GeneDx Variant Classification Process June 2021. Collection method: clinical testing. Allele origin: germline. Affected: yes.
Comment: In silico analysis supports that this missense variant does not alter protein structure/function; Has not been previously published as pathogenic or benign to our knowledge

Breakthrough Genomics
Classification: Uncertain significance. Review status: criteria provided, single submitter. Criteria: ACMG Guidelines, 2015. Collection method: not provided. Allele origin: germline. Inheritance: Autosomal recessive inheritance. Affected: yes.

Natera, Inc.
Classification: Uncertain significance for Medium Chain Acyl-CoA Dehydrogenase Deficiency. Last evaluated: 2018-11-29. Review status: no assertion criteria provided. Collection method: clinical testing. Allele origin: germline. Not counted in ClinVar's aggregate classification.

NM_000016.6(ACADM):c.131A>G (p.Gln44Arg)

Gene: ACADM (acyl-CoA dehydrogenase medium chain; plus strand). Cytogenetic location: 1p31.1.
Variant type: single nucleotide variant.
Coding change: c.131A>G on transcript NM_000016.6 (MANE Select); coding-DNA position 131, A replaced by G.
Protein change: p.Gln44Arg; replaces glutamine 44 with arginine.
Molecular consequence: missense variant. On other transcripts: 5 prime UTR variant (1).
Genome position (GRCh38, 1-based): chr1:75,732,656, A>G. VCF-style: chr1-75732656-A-G. GRCh37 (hg19) VCF-style: chr1-76198341-A-G.
Other names: c.143A>G, p.Gln48Arg (NM_001127328.3); c.23A>G, p.Gln8Arg (NM_001286042.2); c.131A>G, p.Gln44Arg (NM_001286043.2); c.-255A>G (NM_001286044.2); short protein forms Q44R, Q48R, Q8R.
Identifiers: ClinVar variation 265023 (VCV000265023.12), dbSNP rs751647383, ClinGen allele CA912973.